The following is an entry in ClinVar:

ClinVar aggregate classification (germline): Uncertain significance (1 of 4 stars; one submission).

Conditions:
Alstrom syndrome (ALMS). Identifiers: Orphanet 64, MedGen C0268425, MONDO:0008763, OMIM 203800.

Allele frequency attached by ClinVar (database versions not stated): gnomAD exomes below 0.00001.
gnomAD v4.1: 1 of 1,613,980 alleles (0.000062%); highest among the groups gnomAD compares: Admixed American, 0.0017%; no homozygotes.

Submission:

Labcorp Genetics (formerly Invitae), Labcorp
Classification: Uncertain significance for Alstrom syndrome. Last evaluated: 2022-08-10. Review status: criteria provided, single submitter. Criteria: Invitae Variant Classification Sherloc (09022015). Collection method: clinical testing. Allele origin: germline.
Comment: Experimental studies and prediction algorithms are not available or were not evaluated, and the functional significance of this variant is currently unknown. In summary, the available evidence is currently insufficient to determine the role of this variant in disease. Therefore, it has been classified as a Variant of Uncertain Significance. ClinVar contains an entry for this variant (Variation ID: 1379846). This variant has not been reported in the literature in individuals affected with ALMS1-related conditions. This variant is present in population databases (no rsID available, gnomAD 0.003%). This sequence change replaces lysine with threonine at codon 3540 of the ALMS1 protein (p.Lys3540Thr). The lysine residue is moderately conserved and there is a moderate physicochemical difference between lysine and threonine.

NM_001378454.1(ALMS1):c.10616A>C (p.Lys3539Thr)

Gene: ALMS1 (ALMS1 centrosome and basal body associated protein; plus strand). Cytogenetic location: 2p13.1.
Variant type: single nucleotide variant.
Coding change: c.10616A>C on transcript NM_001378454.1 (MANE Select); coding-DNA position 10616, A replaced by C.
Protein change: p.Lys3539Thr; replaces lysine 3539 with threonine.
Molecular consequence: missense variant.
Genome position (GRCh38, 1-based): chr2:73,572,493, A>C. VCF-style: chr2-73572493-A-C. GRCh37 (hg19) VCF-style: chr2-73799620-A-C.
Other names: c.10619A>C, p.Lys3540Thr (NM_015120.4); short protein forms K3540T, K3539T.
Identifiers: ClinVar variation 1379846 (VCV001379846.6), dbSNP rs1223712611, ClinGen allele CA347284189.
Genomic context (GRCh38, chr2:73,572,493, plus strand): 5'-CAGACAAACATAGAGAACACATGTGTCTTCCTCTTCCTTATCAAAACATGGACAAGACTA[A>C]GACAGATTATACCAGAATAAAGAGCCTCAGCATCAATGTGAATTTGGGAAACAAAGAAGT-3'
Protein context (NP_001365383.1, residues 3529-3549): PLPYQNMDKT[Lys3539Thr]TDYTRIKSLS